The following is an entry in ClinVar:

ClinVar aggregate classification (germline): Pathogenic. Review status: criteria provided, multiple submitters, no conflicts (2 of 4 stars). 6 submissions from 6 submitters: Pathogenic (6). Last evaluated 2026-10-26.

Conditions:
Inborn genetic diseases. Identifiers: MedGen C0950123, MeSH D030342.
Kabuki syndrome 2 (KABUK2). Also called: KDM6A-Related Kabuki Syndrome. Identifiers: Orphanet 2322, MedGen C3275495, MONDO:0010465, OMIM 300867.
KDM6A-related disorder. Also called: KDM6A-related condition.
Kabuki syndrome 1 (KABUK1). Also called: KMT2D-Related Kabuki Syndrome. Identifiers: Orphanet 2322, MedGen CN030661, MONDO:0007843, OMIM 147920.

Allele frequency attached by ClinVar (database versions not stated): gnomAD exomes below 0.00001.
gnomAD v4.1: 1 of 1,206,861 alleles (0.000083%); highest among the groups gnomAD compares: Non-Finnish European, 0.00011%; no homozygotes.

Submissions (6):

GeneDx
Classification: Pathogenic. Last evaluated: 2026-10-26. Review status: criteria provided, single submitter. Criteria: GeneDx Variant Classification Process June 2021. Collection method: clinical testing. Allele origin: germline.
Comment: Nonsense variant predicted to result in protein truncation or nonsense mediated decay in a gene for which loss of function is a known mechanism of disease; Not observed at significant frequency in large population cohorts (gnomAD); This variant is associated with the following publications: (PMID: 19330029, 25525159, 29758562, 40146326, 38373926)

Institute of Medical Genetics and Applied Genomics, University Hospital Tübingen
Classification: Pathogenic for Kabuki syndrome 2. Last evaluated: 2025-03-17. Review status: criteria provided, single submitter. Criteria: ACMG Guidelines, 2015. Collection method: clinical testing. Allele origin: germline. Inheritance: X-linked dominant inheritance. Affected: yes.

Blueprint Genetics
Classification: Pathogenic for KDM6A-related disorders. Last evaluated: 2024-05-14. Review status: criteria provided, single submitter. Criteria: ACMG Guidelines, 2015. Collection method: clinical testing. Allele origin: germline. Affected: yes. Observed: 1 variant allele.

Labcorp Genetics (formerly Invitae), Labcorp
Classification: Pathogenic for Kabuki syndrome 2. Last evaluated: 2024-05-04. Review status: criteria provided, single submitter. Criteria: Invitae Variant Classification Sherloc (09022015). Collection method: clinical testing. Allele origin: germline.
Comment: This sequence change creates a premature translational stop signal (p.Arg612*) in the KDM6A gene. It is expected to result in an absent or disrupted protein product. Loss-of-function variants in KDM6A are known to be pathogenic (PMID: 23076834, 23913813). This variant is not present in population databases (gnomAD no frequency). This premature translational stop signal has been observed in individual(s) with clinical features of Kabuki syndrome (PMID: 29758562). ClinVar contains an entry for this variant (Variation ID: 985115). Algorithms developed to predict the effect of sequence changes on RNA splicing suggest that this variant may disrupt the consensus splice site. For these reasons, this variant has been classified as Pathogenic.

Fulgent Genetics
Classification: Pathogenic for Kabuki syndrome 1; Kabuki syndrome 2. Last evaluated: 2021-12-20. Review status: criteria provided, single submitter. Criteria: ACMG Guidelines, 2015. Collection method: clinical testing. Allele origin: unknown.

Ambry Genetics
Classification: Pathogenic for Inborn genetic diseases. Last evaluated: 2019-06-03. Review status: criteria provided, single submitter. Criteria: Ambry exome assertion method (8-5-2015). Collection method: clinical testing. Allele origin: germline. Affected: yes. Observed: 1 variant allele.

Literature cited by the submitters: PubMed 23076834 (cited by Labcorp Genetics (formerly Invitae), Labcorp); PubMed 23913813 (cited by Labcorp Genetics (formerly Invitae), Labcorp); PubMed 29758562 (cited by Labcorp Genetics (formerly Invitae), Labcorp and Ambry Genetics).

NM_001291415.2(KDM6A):c.1990C>T (p.Arg664Ter)

Gene: KDM6A (lysine demethylase 6A; plus strand). Cytogenetic location: Xp11.3.
Variant type: single nucleotide variant.
Coding change: c.1990C>T on transcript NM_001291415.2 (MANE Select); coding-DNA position 1990, C replaced by T.
Protein change: p.Arg664Ter; replaces arginine 664 with a stop codon.
Molecular consequence: nonsense. On other transcripts: non-coding transcript variant (1).
Genome position (GRCh38, 1-based): chrX:45,063,728, C>T. VCF-style: chrX-45063728-C-T. GRCh37 (hg19) VCF-style: chrX-44922973-C-T.
Other names: c.1855C>T, p.Arg619Ter (NM_001291416.2); c.1699C>T, p.Arg567Ter (NM_001291417.2); c.1597C>T, p.Arg533Ter (NM_001291418.2); c.946C>T, p.Arg316Ter (NM_001291421.2); c.1834C>T, p.Arg612Ter (NM_021140.4); short protein forms R316*, R533*, R567*, R612*, R619*, R664*.
Identifiers: ClinVar variation 985115 (VCV000985115.16), dbSNP rs2044403163, ClinGen allele CA412790411.